The following is an entry in ClinVar:

ClinVar aggregate classification (germline): Uncertain significance (1 of 4 stars; one submission).

Submission:

Labcorp Genetics (formerly Invitae), Labcorp
Classification: Uncertain significance. Last evaluated: 2022-07-08. Review status: criteria provided, single submitter. Criteria: Invitae Variant Classification Sherloc (09022015). Collection method: clinical testing. Allele origin: germline.
Comment: In summary, the available evidence is currently insufficient to determine the role of this variant in disease. Therefore, it has been classified as a Variant of Uncertain Significance. Algorithms developed to predict the effect of missense changes on protein structure and function are either unavailable or do not agree on the potential impact of this missense change (SIFT: "Tolerated"; PolyPhen-2: "Possibly Damaging"; Align-GVGD: "Class C0"). This variant has not been reported in the literature in individuals affected with RAI1-related conditions. This variant is not present in population databases (gnomAD no frequency). This sequence change replaces proline, which is neutral and non-polar, with alanine, which is neutral and non-polar, at codon 1218 of the RAI1 protein (p.Pro1218Ala).

NM_030665.4(RAI1):c.3652C>G (p.Pro1218Ala)

Gene: RAI1 (retinoic acid induced 1; plus strand). Cytogenetic location: 17p11.2.
Variant type: single nucleotide variant.
Coding change: c.3652C>G on transcript NM_030665.4 (MANE Select); coding-DNA position 3652, C replaced by G.
Protein change: p.Pro1218Ala; replaces proline 1218 with alanine.
Molecular consequence: missense variant.
Genome position (GRCh38, 1-based): chr17:17,796,600, C>G. VCF-style: chr17-17796600-C-G. GRCh37 (hg19) VCF-style: chr17-17699914-C-G.
Other names: short protein forms P1218A.
Identifiers: ClinVar variation 2004781 (VCV002004781.4), dbSNP rs2508588095, ClinGen allele CA398554660.